The following is an entry in ClinVar:

NM_001393769.1(MED12L):c.4836T>C (p.Asn1612=)

Genes: MED12L (mediator complex subunit 12L; plus strand), P2RY12 (purinergic receptor P2Y12; minus strand). Cytogenetic location: 3q25.1.
Variant type: single nucleotide variant.
Coding change: c.4836T>C on transcript NM_001393769.1 (MANE Select); coding-DNA position 4836, T replaced by C.
Protein change: p.Asn1612=; no amino-acid change (asparagine 1612 retained).
Molecular consequence: synonymous variant. On other transcripts: intron variant (1).
Genome position (GRCh38, 1-based): chr3:151,384,128, T>C. VCF-style: chr3-151384128-T-C. GRCh37 (hg19) VCF-style: chr3-151101916-T-C.
Other names: c.-180+564A>G (NM_022788.5); c.4731T>C, p.Asn1577= (NM_053002.6).
Identifiers: ClinVar variation 4872567 (VCV004872567.2).
Genomic context (GRCh38, chr3:151,384,128, plus strand): 5'-TATTTTCTTTCTTAGTGAATTATTCACAACAGTTCTTGACATGCTGGGTGTTTTAATCAA[T>C]GGAACGTTAGCCTCTGACCTATCAAATGCATCCCCTGGGGGATCTGAAGAGAACAAGCGT-3'
Protein context (NP_001380698.1, residues 1602-1622): TVLDMLGVLI[Asn1612=]GTLASDLSNA

ClinVar aggregate classification (germline): Likely benign (1 of 4 stars; one submission).

gnomAD v4.1: 415 of 1,614,080 alleles (0.026%); highest among the groups gnomAD compares: Admixed American, 0.21%; no homozygotes.

Submission:

CeGaT Center for Human Genetics Tuebingen
Classification: Likely benign. Last evaluated: 2026-08-01. Review status: criteria provided, single submitter. Criteria: CeGaT Center For Human Genetics Tuebingen Variant Classification Criteria Version 2. Collection method: clinical testing. Allele origin: germline. Affected: yes. Observed: 3 variant alleles.
Comment: MED12L: BP4, BS1